The following is an entry in ClinVar:

ClinVar aggregate classification (germline): Likely benign (1 of 4 stars; one submission).

Submission:

CeGaT Center for Human Genetics Tuebingen
Classification: Likely benign. Last evaluated: 2024-07-01. Review status: criteria provided, single submitter. Criteria: CeGaT Center For Human Genetics Tuebingen Variant Classification Criteria Version 2. Collection method: clinical testing. Allele origin: germline. Affected: yes. Observed: 1 variant allele.
Comment: ERCC2: BP4, BP7

NM_000400.4(ERCC2):c.2190+138A>G

Gene: ERCC2 (ERCC excision repair 2, TFIIH core complex helicase subunit; minus strand). Cytogenetic location: 19q13.32.
Variant type: single nucleotide variant.
Coding change: c.2190+138A>G on transcript NM_000400.4 (MANE Select); 138 bases into the intron after coding-DNA position 2190, A replaced by G.
Molecular consequence: intron variant.
Genome position (GRCh38, 1-based): chr19:45,352,071, T>C on the plus strand (A>G on the coding strand, the complement: ERCC2 is on the minus strand). VCF-style: chr19-45352071-T-C. GRCh37 (hg19) VCF-style: chr19-45855329-T-C.
Identifiers: ClinVar variation 3257296 (VCV003257296.17).